The following is an entry in ClinVar:

NM_000540.3(RYR1):c.8667G>T (p.Lys2889Asn)

Gene: RYR1 (ryanodine receptor 1; plus strand). Cytogenetic location: 19q13.2.
Variant type: single nucleotide variant.
Coding change: c.8667G>T on transcript NM_000540.3 (MANE Select); coding-DNA position 8667, G replaced by T.
Protein change: p.Lys2889Asn; replaces lysine 2889 with asparagine.
Molecular consequence: missense variant.
Genome position (GRCh38, 1-based): chr19:38,506,521, G>T. VCF-style: chr19-38506521-G-T. GRCh37 (hg19) VCF-style: chr19-38997161-G-T.
Other names: c.8667G>T, p.Lys2889Asn (NM_001042723.2); short protein forms K2889N.
Identifiers: ClinVar variation 3900539 (VCV003900539.1).

ClinVar aggregate classification (germline): Uncertain significance (1 of 4 stars; one submission).

gnomAD v4.1: 11 of 1,614,100 alleles (0.00068%); highest among the groups gnomAD compares: Non-Finnish European, 0.00093%; no homozygotes.

Submission:

GeneDx
Classification: Uncertain significance. Last evaluated: 2024-11-20. Review status: criteria provided, single submitter. Criteria: GeneDx Variant Classification Process June 2021. Collection method: clinical testing. Allele origin: germline. Affected: yes.
Comment: Not observed at significant frequency in large population cohorts (gnomAD); In silico analysis supports that this missense variant has a deleterious effect on protein structure/function; Has not been previously published as pathogenic or benign to our knowledge; This variant is associated with the following publications: (PMID: 12668474)